The following is an entry in ClinVar:

NM_001197104.2(KMT2A):c.2870A>C (p.Lys957Thr)

Gene: KMT2A (lysine methyltransferase 2A; plus strand). Cytogenetic location: 11q23.3.
Variant type: single nucleotide variant.
Coding change: c.2870A>C on transcript NM_001197104.2 (MANE Select); coding-DNA position 2870, A replaced by C.
Protein change: p.Lys957Thr; replaces lysine 957 with threonine.
Molecular consequence: missense variant.
Genome position (GRCh38, 1-based): chr11:118,474,029, A>C. VCF-style: chr11-118474029-A-C. GRCh37 (hg19) VCF-style: chr11-118344744-A-C.
Other names: c.2969A>C, p.Lys990Thr (NM_001412597.1); c.2870A>C, p.Lys957Thr (NM_005933.4); short protein forms K957T, K990T.
Identifiers: ClinVar variation 2799610 (VCV002799610.3), dbSNP rs781798587, ClinGen allele CA6303572.

ClinVar aggregate classification (germline): Uncertain significance (1 of 4 stars; one submission).

Allele frequency attached by ClinVar (database versions not stated): TOPMed below 0.00001; ExAC 0.00001; gnomAD exomes 0.00001.
gnomAD v4.1: 4 of 1,613,798 alleles (0.00025%); highest among the groups gnomAD compares: Admixed American, 0.0067%; no homozygotes.

Submission:

Labcorp Genetics (formerly Invitae), Labcorp
Classification: Uncertain significance. Last evaluated: 2025-03-10. Review status: criteria provided, single submitter. Criteria: Invitae Variant Classification Sherloc (09022015). Collection method: clinical testing. Allele origin: germline.
Comment: This sequence change replaces lysine, which is basic and polar, with threonine, which is neutral and polar, at codon 957 of the KMT2A protein (p.Lys957Thr). This variant is present in population databases (rs781798587, gnomAD 0.01%). This variant has not been reported in the literature in individuals affected with KMT2A-related conditions. ClinVar contains an entry for this variant (Variation ID: 2799610). Invitae Evidence Modeling of protein sequence and biophysical properties (such as structural, functional, and spatial information, amino acid conservation, physicochemical variation, residue mobility, and thermodynamic stability) has been performed for this missense variant. However, the output from this modeling did not meet the statistical confidence thresholds required to predict the impact of this variant on KMT2A protein function. In summary, the available evidence is currently insufficient to determine the role of this variant in disease. Therefore, it has been classified as a Variant of Uncertain Significance.